The following is an entry in ClinVar:

ClinVar aggregate classification (germline): Uncertain significance (1 of 4 stars; one submission).

Conditions:
Aortic aneurysm, familial thoracic 4 (AAT4). Also called: AORTIC ANEURYSM/AORTIC DISSECTION AND PATENT DUCTUS ARTERIOSUS. Identifiers: MedGen C1851504, MONDO:0007568, OMIM 132900.

Submission:

Labcorp Genetics (formerly Invitae), Labcorp
Classification: Uncertain significance for Aortic aneurysm, familial thoracic 4. Last evaluated: 2020-06-22. Review status: criteria provided, single submitter. Criteria: Invitae Variant Classification Sherloc (09022015). Collection method: clinical testing. Allele origin: germline.
Comment: Algorithms developed to predict the effect of missense changes on protein structure and function are either unavailable or do not agree on the potential impact of this missense change (SIFT: "Deleterious"; PolyPhen-2: "Benign"; Align-GVGD: "Class C0"). This variant has not been reported in the literature in individuals with MYH11-related conditions. This variant is not present in population databases (ExAC no frequency). This sequence change replaces glutamine with arginine at codon 328 of the MYH11 protein (p.Gln328Arg). The glutamine residue is highly conserved and there is a small physicochemical difference between glutamine and arginine. In summary, the available evidence is currently insufficient to determine the role of this variant in disease. Therefore, it has been classified as a Variant of Uncertain Significance.

NM_002474.3(MYH11):c.962A>G (p.Gln321Arg)

Gene: MYH11 (myosin heavy chain 11; minus strand). Cytogenetic location: 16p13.11.
Variant type: single nucleotide variant.
Coding change: c.962A>G on transcript NM_002474.3 (MANE Select); coding-DNA position 962, A replaced by G.
Protein change: p.Gln321Arg; replaces glutamine 321 with arginine.
Molecular consequence: missense variant.
Genome position (GRCh38, 1-based): chr16:15,771,640, T>C on the plus strand (A>G on the coding strand, the complement: MYH11 is on the minus strand). VCF-style: chr16-15771640-T-C. GRCh37 (hg19) VCF-style: chr16-15865497-T-C.
Other names: c.983A>G, p.Gln328Arg (NM_001040113.2, NM_001040114.2); c.962A>G, p.Gln321Arg (NM_022844.3); short protein forms Q321R, Q328R.
Identifiers: ClinVar variation 1054958 (VCV001054958.9), dbSNP rs2151291347, ClinGen allele CA394867881.